The following is an entry in ClinVar:

NM_001037333.3(CYFIP2):c.3685G>A (p.Glu1229Lys)

Genes: CYFIP2 (cytoplasmic FMR1 interacting protein 2; plus strand), NIPAL4-DT (NIPAL4 divergent transcript; minus strand). Cytogenetic location: 5q33.3.
Variant type: single nucleotide variant.
Coding change: c.3685G>A on transcript NM_001037333.3 (MANE Select); coding-DNA position 3685, G replaced by A.
Protein change: p.Glu1229Lys; replaces glutamic acid 1229 with lysine.
Molecular consequence: missense variant.
Genome position (GRCh38, 1-based): chr5:157,392,923, G>A. VCF-style: chr5-157392923-G-A. GRCh37 (hg19) VCF-style: chr5-156819931-G-A.
Other names: c.3607G>A, p.Glu1203Lys (NM_001291721.2); c.3760G>A, p.Glu1254Lys (NM_001291722.2); c.3685G>A, p.Glu1229Lys (NM_014376.4); short protein forms E1203K, E1229K, E1254K.
Identifiers: ClinVar variation 4527901 (VCV004527901.1).
Genomic context (GRCh38, chr5:157,392,923, plus strand): 5'-AAGTATCAGATCTTGAACAATGAGGTTTTTGCCATCCTGAACAAATACATGAAGTCCGTG[G>A]AGACAGACAGTTCCACTGTGGAGCATGTGCGCTGCTTCCAGCCACCCATCCACCAGTCCT-3'
Protein context (NP_001032410.1, residues 1219-1239): AILNKYMKSV[Glu1229Lys]TDSSTVEHVR

ClinVar aggregate classification (germline): Uncertain significance (1 of 4 stars; one submission).

Submission:

GeneDx
Classification: Uncertain significance. Last evaluated: 2025-05-01. Review status: criteria provided, single submitter. Criteria: GeneDx Variant Classification Process June 2021. Collection method: clinical testing. Allele origin: germline. Affected: yes.
Comment: Not observed at significant frequency in large population cohorts (gnomAD); In silico analysis suggests that this missense variant does not alter protein structure/function; Has not been previously published as pathogenic or benign to our knowledge